The following is an entry in ClinVar:

ClinVar aggregate classification (germline): Likely benign (1 of 4 stars; one submission).

Conditions:
Cardiomyopathy (CMYO). Also called: Cardiomyopathies. Identifiers: Orphanet 167848, MedGen C0878544, MONDO:0004994, HP:0001638. Inheritance: Various modes of inheritance.

Allele frequency attached by ClinVar (database versions not stated): TOPMed below 0.00001; gnomAD 0.00001; gnomAD exomes 0.00001.
gnomAD v4.1: 4 of 1,614,086 alleles (0.00025%); highest among the groups gnomAD compares: Non-Finnish European, 0.00034%; no homozygotes.

Submission:

All of Us Research Program, National Institutes of Health
Classification: Likely benign for Cardiomyopathy. Last evaluated: 2023-04-28. Review status: criteria provided, single submitter. Criteria: ACMG Guidelines, 2015. Collection method: clinical testing. Allele origin: germline. Inheritance: Autosomal dominant inheritance. Observed: 1 variant allele, 1 heterozygote.
Comment: This study involves interpretation of variants in research participants for the purpose of population health screening. Participant phenotype was not available at the time of variant classification. Additional details can be found in publication PMID: 35346344, PMCID: PMC8962531

NM_000257.4(MYH7):c.2895G>A (p.Glu965=)

Gene: MYH7 (myosin heavy chain 7; minus strand). Cytogenetic location: 14q11.2.
Variant type: single nucleotide variant.
Coding change: c.2895G>A on transcript NM_000257.4 (MANE Select); coding-DNA position 2895, G replaced by A.
Protein change: p.Glu965=; no amino-acid change (glutamic acid 965 retained).
Molecular consequence: synonymous variant.
Genome position (GRCh38, 1-based): chr14:23,423,934, C>T on the plus strand (G>A on the coding strand, the complement: MYH7 is on the minus strand). VCF-style: chr14-23423934-C-T. GRCh37 (hg19) VCF-style: chr14-23893143-C-T.
Other names: c.2895G>A, p.Glu965= (NM_001407004.1).
Identifiers: ClinVar variation 3070542 (VCV003070542.1), dbSNP rs1237843058, ClinGen allele CA485766792.